The following is an entry in ClinVar:

NM_003982.4(SLC7A7):c.269A>G (p.Tyr90Cys)

Gene: SLC7A7 (solute carrier family 7 member 7; minus strand). Cytogenetic location: 14q11.2.
Variant type: single nucleotide variant.
Coding change: c.269A>G on transcript NM_003982.4 (MANE Select); coding-DNA position 269, A replaced by G.
Protein change: p.Tyr90Cys; replaces tyrosine 90 with cysteine.
Molecular consequence: missense variant.
Genome position (GRCh38, 1-based): chr14:22,813,130, T>C on the plus strand (A>G on the coding strand, the complement: SLC7A7 is on the minus strand). VCF-style: chr14-22813130-T-C. GRCh37 (hg19) VCF-style: chr14-23282339-T-C.
Other names: c.269A>G, p.Tyr90Cys (NM_001126105.3, NM_001126106.4); short protein forms Y90C.
Identifiers: ClinVar variation 1358695 (VCV001358695.7), dbSNP rs375791337, ClinGen allele CA7104739.

ClinVar aggregate classification (germline): Uncertain significance. Review status: criteria provided, multiple submitters, no conflicts (2 of 4 stars). 3 submissions from 3 submitters: Uncertain significance (3). Last evaluated 2024-08-12.

Conditions:
Inborn genetic diseases. Identifiers: MedGen C0950123, MeSH D030342.
Lysinuric protein intolerance (LPI). Identifiers: Orphanet 470, MedGen C0268647, MONDO:0009109, OMIM 222700.

Allele frequency attached by ClinVar (database versions not stated): ESP Exome Variant Server 0.00008.
gnomAD v4.1: 22 of 1,613,840 alleles (0.0014%); highest among the groups gnomAD compares: East Asian, 0.0022%; no homozygotes.

Submissions (3):

Ambry Genetics
Classification: Uncertain significance for Inborn genetic diseases. Last evaluated: 2024-08-12. Review status: criteria provided, single submitter. Criteria: Ambry Variant Classification Scheme 2023. Collection method: clinical testing. Allele origin: germline.

Labcorp Genetics (formerly Invitae), Labcorp
Classification: Uncertain significance for Lysinuric protein intolerance. Last evaluated: 2021-08-31. Review status: criteria provided, single submitter. Criteria: Invitae Variant Classification Sherloc (09022015). Collection method: clinical testing. Allele origin: germline.
Comment: This sequence change replaces tyrosine with cysteine at codon 90 of the SLC7A7 protein (p.Tyr90Cys). The tyrosine residue is highly conserved and there is a large physicochemical difference between tyrosine and cysteine. This variant is present in population databases (rs375791337, ExAC 0.001%). This variant has not been reported in the literature in individuals affected with SLC7A7-related conditions. Algorithms developed to predict the effect of missense changes on protein structure and function (SIFT, PolyPhen-2, Align-GVGD) all suggest that this variant is likely to be disruptive. In summary, the available evidence is currently insufficient to determine the role of this variant in disease. Therefore, it has been classified as a Variant of Uncertain Significance.

Fulgent Genetics
Classification: Uncertain significance for Lysinuric protein intolerance. Last evaluated: 2021-07-09. Review status: criteria provided, single submitter. Criteria: ACMG Guidelines, 2015. Collection method: clinical testing. Allele origin: unknown.